The following is an entry in ClinVar:

ClinVar aggregate classification (germline): Likely pathogenic (1 of 4 stars; one submission).

Conditions:
Congenital disorder of glycosylation, type Iaa. Also called: Congenital disorder of glycosylation, type 1aa. Identifiers: MedGen C4310727, MONDO:0014904, OMIM 617082.

Submission:

Labcorp Genetics (formerly Invitae), Labcorp
Classification: Likely pathogenic for Congenital disorder of glycosylation, type Iaa. Last evaluated: 2024-01-08. Review status: criteria provided, single submitter. Criteria: Invitae Variant Classification Sherloc (09022015). Collection method: clinical testing. Allele origin: germline.
Comment: This sequence change affects an acceptor splice site in intron 2 of the NUS1 gene. It is expected to disrupt RNA splicing. Variants that disrupt the donor or acceptor splice site typically lead to a loss of protein function (PMID: 16199547), and loss-of-function variants in NUS1 are known to be pathogenic (PMID: 29100083). This variant is not present in population databases (gnomAD no frequency). This variant has not been reported in the literature in individuals affected with NUS1-related conditions. ClinVar contains an entry for this variant (Variation ID: 2101074). Algorithms developed to predict the effect of sequence changes on RNA splicing suggest that this variant may disrupt the consensus splice site. In summary, the currently available evidence indicates that the variant is pathogenic, but additional data are needed to prove that conclusively. Therefore, this variant has been classified as Likely Pathogenic.

Literature cited by the submitters: PubMed 16199547; PubMed 29100083.

NM_138459.5(NUS1):c.542-1G>T

Gene: NUS1 (NUS1 dehydrodolichyl diphosphate synthase subunit; plus strand). Cytogenetic location: 6q22.1.
Variant type: single nucleotide variant.
Coding change: c.542-1G>T on transcript NM_138459.5 (MANE Select); the canonical splice acceptor site of the intron before coding-DNA position 542, G replaced by T.
Molecular consequence: splice acceptor variant.
Genome position (GRCh38, 1-based): chr6:117,694,030, G>T. VCF-style: chr6-117694030-G-T. GRCh37 (hg19) VCF-style: chr6-118015193-G-T.
Identifiers: ClinVar variation 2101074 (VCV002101074.4), dbSNP rs2482015846, ClinGen allele CA365536899.